The following is an entry in ClinVar:

ClinVar aggregate classification (germline): Uncertain significance (1 of 4 stars; one submission).

Allele frequency attached by ClinVar (database versions not stated): gnomAD exomes 0.00002 and below 0.00001; ExAC 0.00001; gnomAD 0.00001; TOPMed 0.00001.
gnomAD v4.1: 27 of 1,614,096 alleles (0.0017%); highest among the groups gnomAD compares: Non-Finnish European, 0.0021%; no homozygotes.

Submission:

GeneDx
Classification: Uncertain significance. Last evaluated: 2021-04-07. Review status: criteria provided, single submitter. Criteria: GeneDx Variant Classification Process June 2021. Collection method: clinical testing. Allele origin: germline. Affected: yes.
Comment: Not observed at a significant frequency in large population cohorts (Lek et al., 2016); In silico analysis supports that this missense variant has a deleterious effect on protein structure/function; Has not been previously published as pathogenic or benign to our knowledge

NM_030777.4(SLC2A10):c.712C>G (p.Leu238Val)

Gene: SLC2A10 (solute carrier family 2 member 10; plus strand). Cytogenetic location: 20q13.12.
Variant type: single nucleotide variant.
Coding change: c.712C>G on transcript NM_030777.4 (MANE Select); coding-DNA position 712, C replaced by G.
Protein change: p.Leu238Val; replaces leucine 238 with valine.
Molecular consequence: missense variant.
Genome position (GRCh38, 1-based): chr20:46,725,748, C>G. VCF-style: chr20-46725748-C-G. GRCh37 (hg19) VCF-style: chr20-45354387-C-G.
Other names: short protein forms L238V.
Identifiers: ClinVar variation 418496 (VCV000418496.3), dbSNP rs761633200, ClinGen allele CA9892031.